The following is an entry in ClinVar:

ClinVar aggregate classification (germline): Likely pathogenic (1 of 4 stars; one submission).

Conditions:
Multiple congenital anomalies-hypotonia-seizures syndrome 1 (MCAHS1). Also called: GLYCOSYLPHOSPHATIDYLINOSITOL BIOSYNTHESIS DEFECT 3; PIGN-CDG; Congenital disorder of glycosylation due to PIGN deficiency. Identifiers: Orphanet 280633, MedGen C3279775, MONDO:0013563, OMIM 614080.

Submission:

Labcorp Genetics (formerly Invitae), Labcorp
Classification: Likely pathogenic for Multiple congenital anomalies-hypotonia-seizures syndrome 1. Last evaluated: 2021-11-28. Review status: criteria provided, single submitter. Criteria: Invitae Variant Classification Sherloc (09022015). Collection method: clinical testing. Allele origin: germline.
Comment: In summary, the currently available evidence indicates that the variant is pathogenic, but additional data are needed to prove that conclusively. Therefore, this variant has been classified as Likely Pathogenic. This variant has not been reported in the literature in individuals affected with PIGN-related conditions. This variant is not present in population databases (gnomAD no frequency). This sequence change affects a donor splice site in intron 27 of the PIGN gene. It is expected to disrupt RNA splicing. Variants that disrupt the donor or acceptor splice site typically lead to a loss of protein function (PMID: 16199547), and loss-of-function variants in PIGN are known to be pathogenic (PMID: 24253414, 27038415).

Literature cited by the submitters: PubMed 16199547; PubMed 24253414; PubMed 27038415.

NM_176787.5(PIGN):c.2502+1G>A

Gene: PIGN (phosphatidylinositol glycan anchor biosynthesis class N; minus strand). Cytogenetic location: 18q21.33.
Variant type: single nucleotide variant.
Coding change: c.2502+1G>A on transcript NM_176787.5 (MANE Select); the canonical splice donor site of the intron after coding-DNA position 2502, G replaced by A.
Molecular consequence: splice donor variant.
Genome position (GRCh38, 1-based): chr18:62,084,530, C>T on the plus strand (G>A on the coding strand, the complement: PIGN is on the minus strand). VCF-style: chr18-62084530-C-T. GRCh37 (hg19) VCF-style: chr18-59751763-C-T.
Other names: c.2502+1G>A (NM_012327.6).
Identifiers: ClinVar variation 2011437 (VCV002011437.4), dbSNP rs2512420115, ClinGen allele CA402601138.